The following is an entry in ClinVar:

NM_001009944.3(PKD1):c.11628C>G (p.Ala3876=)

Genes: PKD1 (polycystin 1, transient receptor potential channel interacting; minus strand), PKD1-AS1 (PKD1 antisense RNA 1; plus strand). Cytogenetic location: 16p13.3.
Variant type: single nucleotide variant.
Coding change: c.11628C>G on transcript NM_001009944.3 (MANE Select); coding-DNA position 11628, C replaced by G.
Protein change: p.Ala3876=; no amino-acid change (alanine 3876 retained).
Molecular consequence: synonymous variant. On other transcripts: non-coding transcript variant (1).
Genome position (GRCh38, 1-based): chr16:2,091,507, G>C on the plus strand (C>G on the coding strand, the complement: PKD1 is on the minus strand). VCF-style: chr16-2091507-G-C. GRCh37 (hg19) VCF-style: chr16-2141508-G-C.
Other names: c.11625C>G, p.Ala3875= (NM_000296.4).
Identifiers: ClinVar variation 4534971 (VCV004534971.6).
Genomic context (GRCh38, chr16:2,091,507, plus strand): 5'-GCCCGCGCTGAGGCGGCGCAGCGCAAAGGGGCGGACGCTGAGGGCGGCCAGGGCGCGGCC[G>C]GCCGCCGGGAACTCGAGGCGCAGCGTGACGGCGGCGTGCAGCCCCACGGCCGGGCTGTAG-3'
Protein context (NP_001009944.3, residues 3866-3886): AVTLRLEFPA[Ala3876=]GRALAALSVR

ClinVar aggregate classification (germline): Likely benign (1 of 4 stars; one submission).

Submission:

CeGaT Center for Human Genetics Tuebingen
Classification: Likely benign. Last evaluated: 2025-10-01. Review status: criteria provided, single submitter. Criteria: CeGaT Center For Human Genetics Tuebingen Variant Classification Criteria Version 2. Collection method: clinical testing. Allele origin: germline. Affected: yes. Observed: 1 variant allele.
Comment: PKD1: PM2:Supporting, BP4, BP7